The following is an entry in ClinVar:

ClinVar aggregate classification (germline): Uncertain significance. Review status: criteria provided, multiple submitters, no conflicts (2 of 4 stars). 2 submissions from 2 submitters: Uncertain significance (2). Last evaluated 2022-08-09.

Conditions:
Inborn genetic diseases. Identifiers: MedGen C0950123, MeSH D030342.
Epidermodysplasia verruciformis. Identifiers: Orphanet 302, MedGen C0014522, MONDO:0009176.

Allele frequency attached by ClinVar (database versions not stated): ESP Exome Variant Server 0.00031; TOPMed 0.00037; 1000 Genomes Project 30x 0.00031; 1000 Genomes Project 0.00040.
gnomAD v4.1: 128 of 1,557,834 alleles (0.0082%); highest among the groups gnomAD compares: African/African-American, 0.15%; no homozygotes.

Submissions (2):

Labcorp Genetics (formerly Invitae), Labcorp
Classification: Uncertain significance for Epidermodysplasia verruciformis. Last evaluated: 2022-08-09. Review status: criteria provided, single submitter. Criteria: Invitae Variant Classification Sherloc (09022015). Collection method: clinical testing. Allele origin: germline.
Comment: This sequence change replaces alanine, which is neutral and non-polar, with proline, which is neutral and non-polar, at codon 794 of the TMC6 protein (p.Ala794Pro). This variant is present in population databases (rs112660101, gnomAD 0.2%). This variant has not been reported in the literature in individuals affected with TMC6-related conditions. ClinVar contains an entry for this variant (Variation ID: 849550). Algorithms developed to predict the effect of missense changes on protein structure and function output the following: SIFT: "Not Available"; PolyPhen-2: "Benign"; Align-GVGD: "Not Available". The proline amino acid residue is found in multiple mammalian species, which suggests that this missense change does not adversely affect protein function. In summary, the available evidence is currently insufficient to determine the role of this variant in disease. Therefore, it has been classified as a Variant of Uncertain Significance.

Ambry Genetics
Classification: Uncertain significance for Inborn genetic diseases. Last evaluated: 2021-07-06. Review status: criteria provided, single submitter. Criteria: Ambry Variant Classification Scheme 2023. Collection method: clinical testing. Allele origin: germline.

NM_001127198.5(TMC6):c.2380G>C (p.Ala794Pro)

Gene: TMC6 (transmembrane channel like 6; minus strand). Cytogenetic location: 17q25.3.
Variant type: single nucleotide variant.
Coding change: c.2380G>C on transcript NM_001127198.5 (MANE Select); coding-DNA position 2380, G replaced by C.
Protein change: p.Ala794Pro; replaces alanine 794 with proline.
Molecular consequence: missense variant.
Genome position (GRCh38, 1-based): chr17:78,113,186, C>G on the plus strand (G>C on the coding strand, the complement: TMC6 is on the minus strand). VCF-style: chr17-78113186-C-G. GRCh37 (hg19) VCF-style: chr17-76109267-C-G.
Other names: c.2380G>C, p.Ala794Pro (NM_001321185.1, NM_001374596.1, NM_001375353.1 and 2 more transcripts); c.2200G>C, p.Ala734Pro (NM_001374593.1, NM_001374594.1); c.2380G>C (NM_007267.6); short protein forms A794P, A734P.
Identifiers: ClinVar variation 849550 (VCV000849550.6), dbSNP rs112660101, ClinGen allele CA8795285.